The following is an entry in ClinVar:

ClinVar aggregate classification (germline): Uncertain significance (1 of 4 stars; one submission).

Conditions:
Charcot-Marie-Tooth disease axonal type 2O. Also called: CHARCOT-MARIE-TOOTH NEUROPATHY, AXONAL, TYPE 2O; CHARCOT-MARIE-TOOTH DISEASE, AXONAL, AUTOSOMAL DOMINANT, TYPE 2O; Charcot-Marie-Tooth Neuropathy Type 2O; Charcot-Marie-Tooth disease, axonal, type 20. Identifiers: Orphanet 284232, MedGen C3280220, MONDO:0013644, OMIM 614228.

Submission:

Labcorp Genetics (formerly Invitae), Labcorp
Classification: Uncertain significance for Charcot-Marie-Tooth disease axonal type 2O. Last evaluated: 2025-04-17. Review status: criteria provided, single submitter. Criteria: Invitae Variant Classification Sherloc (09022015). Collection method: clinical testing. Allele origin: germline.
Comment: This sequence change replaces phenylalanine, which is neutral and non-polar, with leucine, which is neutral and non-polar, at codon 1494 of the DYNC1H1 protein (p.Phe1494Leu). This variant is not present in population databases (gnomAD no frequency). This variant has not been reported in the literature in individuals affected with DYNC1H1-related conditions. ClinVar contains an entry for this variant (Variation ID: 2188731). Invitae Evidence Modeling of protein sequence and biophysical properties (such as structural, functional, and spatial information, amino acid conservation, physicochemical variation, residue mobility, and thermodynamic stability) indicates that this missense variant is expected to disrupt DYNC1H1 protein function with a positive predictive value of 95%. In summary, the available evidence is currently insufficient to determine the role of this variant in disease. Therefore, it has been classified as a Variant of Uncertain Significance.

NM_001376.5(DYNC1H1):c.4482C>G (p.Phe1494Leu)

Gene: DYNC1H1 (dynein cytoplasmic 1 heavy chain 1; plus strand). Cytogenetic location: 14q32.31.
Variant type: single nucleotide variant.
Coding change: c.4482C>G on transcript NM_001376.5 (MANE Select); coding-DNA position 4482, C replaced by G.
Protein change: p.Phe1494Leu; replaces phenylalanine 1494 with leucine.
Molecular consequence: missense variant.
Genome position (GRCh38, 1-based): chr14:102,001,621, C>G. VCF-style: chr14-102001621-C-G. GRCh37 (hg19) VCF-style: chr14-102467958-C-G.
Other names: short protein forms F1494L.
Identifiers: ClinVar variation 2188731 (VCV002188731.4), dbSNP rs2503731342, ClinGen allele CA391042642.